The following is an entry in ClinVar:

ClinVar aggregate classification (germline): Conflicting classifications of pathogenicity. Review status: criteria provided, conflicting classifications (1 of 4 stars). 3 submissions from 3 submitters: Uncertain significance (2); Benign (1). Last evaluated 2025-06-17.

Conditions:
Choanal atresia-athelia-hypothyroidism-delayed puberty-short stature syndrome (BCAHH). Also called: BRANCHIAL ARCH ABNORMALITIES, CHOANAL ATRESIA, ATHELIA, HEARING LOSS, AND HYPOTHYROIDISM SYNDROME. Identifiers: Orphanet 589856, MedGen C5680310, MONDO:0035651, OMIM 620186.
Kabuki syndrome 1 (KABUK1). Also called: KMT2D-Related Kabuki Syndrome. Identifiers: Orphanet 2322, MedGen CN030661, MONDO:0007843, OMIM 147920.
Kabuki syndrome. Also called: Kabuki make-up syndrome; NIIKAWA-KUROKI SYNDROME. Identifiers: Orphanet 2322, MedGen C0796004, MONDO:0016512.
KMT2D-related disorder. Also called: KMT2D-Related Disorders.

Allele frequency attached by ClinVar (database versions not stated): gnomAD exomes 0.00001; TOPMed 0.00001; ExAC 0.00002.
gnomAD v4.1: 4 of 1,612,042 alleles (0.00025%); highest among the groups gnomAD compares: Admixed American, 0.0067%; no homozygotes.

Submissions (3):

PreventionGenetics, part of Exact Sciences
Classification: Uncertain significance for KMT2D-related condition. Last evaluated: 2025-06-17. Review status: criteria provided, single submitter. Criteria: ACMG Guidelines, 2015. Collection method: clinical testing. Allele origin: germline.
Comment: The KMT2D c.9308C>T variant is predicted to result in the amino acid substitution p.Ala3103Val. To our knowledge, this variant has not been reported in the literature. This variant is reported in 0.0088% of alleles in individuals of Latino descent in gnomAD. At this time, the clinical significance of this variant is uncertain due to the absence of conclusive functional and genetic evidence.

Fulgent Genetics
Classification: Uncertain significance for Kabuki syndrome 1; Choanal atresia-athelia-hypothyroidism-delayed puberty-short stature syndrome. Last evaluated: 2024-03-28. Review status: criteria provided, single submitter. Criteria: ACMG Guidelines, 2015. Collection method: clinical testing. Allele origin: germline.

Labcorp Genetics (formerly Invitae), Labcorp
Classification: Benign for Kabuki syndrome. Last evaluated: 2022-09-27. Review status: criteria provided, single submitter. Criteria: Invitae Variant Classification Sherloc (09022015). Collection method: clinical testing. Allele origin: germline.

NM_003482.4(KMT2D):c.9308C>T (p.Ala3103Val)

Gene: KMT2D (lysine methyltransferase 2D; minus strand). Cytogenetic location: 12q13.12.
Variant type: single nucleotide variant.
Coding change: c.9308C>T on transcript NM_003482.4 (MANE Select); coding-DNA position 9308, C replaced by T.
Protein change: p.Ala3103Val; replaces alanine 3103 with valine.
Molecular consequence: missense variant.
Genome position (GRCh38, 1-based): chr12:49,038,048, G>A on the plus strand (C>T on the coding strand, the complement: KMT2D is on the minus strand). VCF-style: chr12-49038048-G-A. GRCh37 (hg19) VCF-style: chr12-49431831-G-A.
Other names: short protein forms A3103V.
Identifiers: ClinVar variation 1957624 (VCV001957624.7), dbSNP rs755031010, ClinGen allele CA6546716.